The following is an entry in ClinVar:

NM_001386140.1(MTTP):c.1385A>T (p.Glu462Val)

Gene: MTTP (microsomal triglyceride transfer protein; plus strand). Cytogenetic location: 4q23.
Variant type: single nucleotide variant.
Coding change: c.1385A>T on transcript NM_001386140.1 (MANE Select); coding-DNA position 1385, A replaced by T.
Protein change: p.Glu462Val; replaces glutamic acid 462 with valine.
Molecular consequence: missense variant.
Genome position (GRCh38, 1-based): chr4:99,606,788, A>T. VCF-style: chr4-99606788-A-T. GRCh37 (hg19) VCF-style: chr4-100527945-A-T.
Other names: c.1385A>T, p.Glu462Val (NM_000253.4); c.1136A>T, p.Glu379Val (NM_001300785.2); short protein forms E462V, E379V.
Identifiers: ClinVar variation 1381641 (VCV001381641.6), dbSNP rs757598679, ClinGen allele CA3022102.

ClinVar aggregate classification (germline): Uncertain significance. Review status: criteria provided, multiple submitters, no conflicts (2 of 4 stars). 4 submissions from 4 submitters: Uncertain significance (4). Last evaluated 2024-01-09.

Conditions:
Abetalipoproteinaemia (ABL). Also called: Apolipoprotein B deficiency; Congenital betalipoprotein deficiency syndrome; MTP DEFICIENCY; Abetalipoproteinemia; Abetalipoproteinemia neuropathy. Identifiers: Orphanet 14, MedGen C0000744, MONDO:0008692, OMIM 200100, HP:0008181.
Metabolic syndrome X (AOMS1). Also called: Abdominal obesity-metabolic syndrome 1. Identifiers: MedGen C4552048, MONDO:0011565, OMIM 605552.

Allele frequency attached by ClinVar (database versions not stated): gnomAD exomes below 0.00001 and 0.00003; ExAC 0.00001; gnomAD 0.00001; TOPMed 0.00002.
gnomAD v4.1: 44 of 1,613,880 alleles (0.0027%); highest among the groups gnomAD compares: Middle Eastern, 0.1%; no homozygotes.

Submissions (4):

Blueprint Genetics
Classification: Uncertain significance. Last evaluated: 2024-01-09. Review status: criteria provided, single submitter. Criteria: ACMG Guidelines, 2015. Collection method: clinical testing. Allele origin: germline.

Labcorp Genetics (formerly Invitae), Labcorp
Classification: Uncertain significance. Last evaluated: 2022-06-20. Review status: criteria provided, single submitter. Criteria: Invitae Variant Classification Sherloc (09022015). Collection method: clinical testing. Allele origin: germline.
Comment: This sequence change replaces glutamic acid, which is acidic and polar, with valine, which is neutral and non-polar, at codon 462 of the MTTP protein (p.Glu462Val). This variant is present in population databases (rs757598679, gnomAD 0.0009%). This variant has not been reported in the literature in individuals affected with MTTP-related conditions. Algorithms developed to predict the effect of missense changes on protein structure and function are either unavailable or do not agree on the potential impact of this missense change (SIFT: "Tolerated"; PolyPhen-2: "Possibly Damaging"; Align-GVGD: "Class C0"). In summary, the available evidence is currently insufficient to determine the role of this variant in disease. Therefore, it has been classified as a Variant of Uncertain Significance.

Fulgent Genetics
Classification: Uncertain significance for Abetalipoproteinaemia; Metabolic syndrome X. Last evaluated: 2022-01-17. Review status: criteria provided, single submitter. Criteria: ACMG Guidelines, 2015. Collection method: clinical testing. Allele origin: unknown.

Department of Pathology and Laboratory Medicine, Sinai Health System
Classification: Uncertain significance for Abetalipoproteinaemia. Last evaluated: 2020-05-31. Review status: criteria provided, single submitter. Criteria: ACMG Guidelines, 2015. Collection method: research. Allele origin: germline.